The following is an entry in ClinVar:

NM_000393.5(COL5A2):c.4379C>T (p.Thr1460Ile)

Gene: COL5A2 (collagen type V alpha 2 chain; minus strand). Cytogenetic location: 2q32.2.
Variant type: single nucleotide variant.
Coding change: c.4379C>T on transcript NM_000393.5 (MANE Select); coding-DNA position 4379, C replaced by T.
Protein change: p.Thr1460Ile; replaces threonine 1460 with isoleucine.
Molecular consequence: missense variant.
Genome position (GRCh38, 1-based): chr2:189,034,191, G>A on the plus strand (C>T on the coding strand, the complement: COL5A2 is on the minus strand). VCF-style: chr2-189034191-G-A. GRCh37 (hg19) VCF-style: chr2-189898917-G-A.
Other names: short protein forms T1460I.
Identifiers: ClinVar variation 1935315 (VCV001935315.5), dbSNP rs1266828570, ClinGen allele CA349854703.

ClinVar aggregate classification (germline): Uncertain significance (1 of 4 stars; one submission).

Conditions:
Ehlers-Danlos syndrome, classic type, 1 (EDSCL1). Also called: Ehlers-Danlos syndrome, type 1; Ehlers-Danlos Syndrome, Classic Type, COL5A1-Related; EDS I; EHLERS-DANLOS SYNDROME, GRAVIS TYPE; EHLERS-DANLOS SYNDROME, SEVERE CLASSIC TYPE. Identifiers: MedGen C0268335, MONDO:0019567, OMIM 130000.

Allele frequency attached by ClinVar (database versions not stated): TOPMed below 0.00001; gnomAD exomes below 0.00001.
gnomAD v4.1: 4 of 1,613,946 alleles (0.00025%); highest among the groups gnomAD compares: Non-Finnish European, 0.00034%; no homozygotes.

Submission:

Labcorp Genetics (formerly Invitae), Labcorp
Classification: Uncertain significance for Ehlers-Danlos syndrome, classic type, 1. Last evaluated: 2022-05-21. Review status: criteria provided, single submitter. Criteria: Invitae Variant Classification Sherloc (09022015). Collection method: clinical testing. Allele origin: germline.
Comment: Algorithms developed to predict the effect of missense changes on protein structure and function are either unavailable or do not agree on the potential impact of this missense change (SIFT: "Deleterious"; PolyPhen-2: "Not Available"; Align-GVGD: "Class C0"). This variant has not been reported in the literature in individuals affected with COL5A2-related conditions. This variant is not present in population databases (gnomAD no frequency). This sequence change replaces threonine, which is neutral and polar, with isoleucine, which is neutral and non-polar, at codon 1460 of the COL5A2 protein (p.Thr1460Ile). In summary, the available evidence is currently insufficient to determine the role of this variant in disease. Therefore, it has been classified as a Variant of Uncertain Significance.